The following is an entry in ClinVar:

NM_000092.5(COL4A4):c.4700C>T (p.Ala1567Val)

Gene: COL4A4 (collagen type IV alpha 4 chain; minus strand). Cytogenetic location: 2q36.3.
Variant type: single nucleotide variant.
Coding change: c.4700C>T on transcript NM_000092.5 (MANE Select); coding-DNA position 4700, C replaced by T.
Protein change: p.Ala1567Val; replaces alanine 1567 with valine.
Molecular consequence: missense variant.
Genome position (GRCh38, 1-based): chr2:227,008,127, G>A on the plus strand (C>T on the coding strand, the complement: COL4A4 is on the minus strand). VCF-style: chr2-227008127-G-A. GRCh37 (hg19) VCF-style: chr2-227872843-G-A.
Other names: short protein forms A1567V.
Identifiers: ClinVar variation 3585742 (VCV003585742.2).
Genomic context (GRCh38, chr2:227,008,127, plus strand): 5'-GGGGGGATGGACTGGTCCTGGCTGTGCACCGCCACCGCCTGGGCCGGGGCCTCGCATACC[G>A]CACAGCGGCTGACATAGGGGCGGATCGCCTCTTCAGAGAGTGGCATCATGGGGAGGGGCG-3'
Protein context (NP_000083.3, residues 1557-1577): EAIRPYVSRC[Ala1567Val]VCEAPAQAVA

ClinVar aggregate classification (germline): Uncertain significance. Review status: criteria provided, multiple submitters, no conflicts (2 of 4 stars). 2 submissions from 2 submitters: Uncertain significance (2). Last evaluated 2026-01-20.

Conditions:
Autosomal recessive Alport syndrome (ATS2). Also called: Alport syndrome type 2; COL4A3-Related Nephropathy; COL4A4 Alport Syndrome and Thin Basement Membrane Nephropathy; ALPORT SYNDROME 2, AUTOSOMAL RECESSIVE. Identifiers: Orphanet 63, Orphanet 88919, MedGen C4746745, MONDO:0008762, OMIM 203780.
Hematuria, benign familial, 1 (BFH1). Also called: THIN MEMBRANE NEPHROPATHY. Identifiers: MedGen CN376803, MONDO:0007709, OMIM 141200.

gnomAD v4.1: 22 of 1,613,888 alleles (0.0014%); highest among the groups gnomAD compares: African/African-American, 0.0027%; no homozygotes.

Submissions (2):

Labcorp Genetics (formerly Invitae), Labcorp
Classification: Uncertain significance. Last evaluated: 2026-01-20. Review status: criteria provided, single submitter. Criteria: Invitae Variant Classification Sherloc (09022015). Collection method: clinical testing. Allele origin: germline.
Comment: This sequence change replaces alanine, which is neutral and non-polar, with valine, which is neutral and non-polar, at codon 1567 of the COL4A4 protein (p.Ala1567Val). This variant is present in population databases (rs779005474, gnomAD 0.003%). This variant has not been reported in the literature in individuals affected with COL4A4-related conditions. ClinVar contains an entry for this variant (Variation ID: 3585742). Invitae Evidence Modeling of protein sequence and biophysical properties (such as structural, functional, and spatial information, amino acid conservation, physicochemical variation, residue mobility, and thermodynamic stability) indicates that this missense variant is not expected to disrupt COL4A4 protein function with a negative predictive value of 95%. In summary, the available evidence is currently insufficient to determine the role of this variant in disease. Therefore, it has been classified as a Variant of Uncertain Significance.

Fulgent Genetics
Classification: Uncertain significance for Hematuria, benign familial, 1; Autosomal recessive Alport syndrome. Last evaluated: 2024-04-26. Review status: criteria provided, single submitter. Criteria: ACMG Guidelines, 2015. Collection method: clinical testing. Allele origin: germline.